The following is an entry in ClinVar:

NM_020366.4(RPGRIP1):c.1378C>A (p.Gln460Lys)

Gene: RPGRIP1 (RPGR interacting protein 1; plus strand). Cytogenetic location: 14q11.2.
Variant type: single nucleotide variant.
Coding change: c.1378C>A on transcript NM_020366.4 (MANE Select); coding-DNA position 1378, C replaced by A.
Protein change: p.Gln460Lys; replaces glutamine 460 with lysine.
Molecular consequence: missense variant.
Genome position (GRCh38, 1-based): chr14:21,320,088, C>A. VCF-style: chr14-21320088-C-A. GRCh37 (hg19) VCF-style: chr14-21788247-C-A.
Other names: c.304C>A, p.Gln102Lys (NM_001377523.1, NM_001377948.1, NM_001377949.1 and 1 more transcripts); short protein forms Q460K, Q102K.
Identifiers: ClinVar variation 1377284 (VCV001377284.3), dbSNP rs1385302435, ClinGen allele CA388864736.
Genomic context (GRCh38, chr14:21,320,088, plus strand): 5'-GATCTGAAGCTTGAAGTCACCAACATACTTCAGAAGCATAAACAGGAAGTAGAGCTCCTC[C>A]AAAATGCAGCCACAATTTCCCAACCTCCTGACAGGCAATCTGAACCAGCCACTCACCCAG-3'
Protein context (NP_065099.3, residues 450-470): QKHKQEVELL[Gln460Lys]NAATISQPPD

ClinVar aggregate classification (germline): Uncertain significance (1 of 4 stars; one submission).

Conditions:
Cone-rod dystrophy 13 (CORD13). Identifiers: Orphanet 1872, MedGen C2750720, MONDO:0011987, OMIM 608194.
Leber congenital amaurosis 6 (LCA6). Identifiers: Orphanet 65, MedGen C1854260, MONDO:0013446, OMIM 613826.

Submission:

Labcorp Genetics (formerly Invitae), Labcorp
Classification: Uncertain significance for Leber congenital amaurosis 6; Cone-rod dystrophy 13. Last evaluated: 2021-12-15. Review status: criteria provided, single submitter. Criteria: Invitae Variant Classification Sherloc (09022015). Collection method: clinical testing. Allele origin: germline.
Comment: This sequence change replaces glutamine, which is neutral and polar, with lysine, which is basic and polar, at codon 460 of the RPGRIP1 protein (p.Gln460Lys). This variant is not present in population databases (gnomAD no frequency). This variant has not been reported in the literature in individuals affected with RPGRIP1-related conditions. Algorithms developed to predict the effect of missense changes on protein structure and function (SIFT, PolyPhen-2, Align-GVGD) all suggest that this variant is likely to be tolerated. In summary, the available evidence is currently insufficient to determine the role of this variant in disease. Therefore, it has been classified as a Variant of Uncertain Significance.